The following is an entry in ClinVar:

NM_000390.4(CHM):c.29_30del (p.Asp10fs)

Gene: CHM (CHM Rab escort protein; minus strand). Cytogenetic location: Xq21.2.
Variant type: Deletion.
Coding change: c.29_30del on transcript NM_000390.4 (MANE Select); coding-DNA positions 29 to 30, 2 bases deleted (AT; older notation c.29_30delAT).
Protein change: p.Asp10fs; shifts the reading frame from aspartic acid 10.
Molecular consequence: frameshift variant.
Genome position (GRCh38, 1-based): chrX:86,047,503-86,047,504, AT deleted on the plus strand (AT on the coding strand, the reverse complement: CHM is on the minus strand). VCF-style (leftmost placement, unchanged base first): chrX-86047502-CAT-C. GRCh37 (hg19) VCF-style: chrX-85302506-CAT-C.
Other names: c.29_30del, p.Asp10fs (NM_001145414.4); short protein forms D10fs.
Identifiers: ClinVar variation 804047 (VCV000804047.4), dbSNP rs1603288815, ClinGen allele CA915951260.

ClinVar aggregate classification (germline): Pathogenic. Review status: criteria provided, multiple submitters, no conflicts (2 of 4 stars). 2 submissions from 2 submitters: Pathogenic (2). Last evaluated 2023-11-03.

Conditions:
Choroideremia. Also called: Chorioretinal scalloped atrophy. Identifiers: Orphanet 180, MedGen C0008525, MONDO:0010557, OMIM 303100, HP:0001139.

Submissions (2):

Labcorp Genetics (formerly Invitae), Labcorp
Classification: Pathogenic. Last evaluated: 2023-11-03. Review status: criteria provided, single submitter. Criteria: Invitae Variant Classification Sherloc (09022015). Collection method: clinical testing. Allele origin: germline.
Comment: This sequence change creates a premature translational stop signal (p.Asp10Glyfs*10) in the CHM gene. It is expected to result in an absent or disrupted protein product. Loss-of-function variants in CHM are known to be pathogenic (PMID: 9067750, 23811034). This variant is not present in population databases (gnomAD no frequency). This variant has not been reported in the literature in individuals affected with CHM-related conditions. ClinVar contains an entry for this variant (Variation ID: 804047). For these reasons, this variant has been classified as Pathogenic.

Mendelics
Classification: Pathogenic for Choroideremia. Last evaluated: 2019-05-28. Review status: criteria provided, single submitter. Criteria: Mendelics Assertion Criteria 2017. Collection method: clinical testing. Allele origin: unknown.

Literature cited by the submitters: PubMed 9067750 (cited by Labcorp Genetics (formerly Invitae), Labcorp); PubMed 23811034 (cited by Labcorp Genetics (formerly Invitae), Labcorp).